The following is an entry in ClinVar:

NM_000096.4(CP):c.1918del (p.Asp640fs)

Gene: CP (ceruloplasmin; minus strand). Cytogenetic location: 3q24.
Variant type: Deletion.
Coding change: c.1918del on transcript NM_000096.4 (MANE Select); coding-DNA position 1918, one base deleted (G; older notation c.1918delG).
Protein change: p.Asp640fs; shifts the reading frame from aspartic acid 640.
Molecular consequence: frameshift variant.
Genome position (GRCh38, 1-based): chr3:149,186,679, C deleted on the plus strand (G on the coding strand, the reverse complement: CP is on the minus strand). VCF-style (leftmost placement, unchanged base first): chr3-149186678-TC-T. GRCh37 (hg19) VCF-style: chr3-148904465-TC-T.
Other names: c.1918delG; short protein forms D640fs.
Identifiers: ClinVar variation 42141 (VCV000042141.3), dbSNP rs386134146, ClinGen allele CA344600.

ClinVar aggregate classification (germline): Pathogenic (0 of 4 stars; one submission).

Conditions:
Deficiency of ferroxidase (ACEP). Also called: Deficiency of ceruloplasmin; Aceruloplasminemia; Ceruloplasmin deficiency; Familial apoceruloplasmin deficiency; Hereditary ceruloplasmin deficiency; NEURODEGENERATION WITH BRAIN IRON ACCUMULATION 10. Identifiers: Orphanet 48818, MedGen C0878682, MONDO:0011426, OMIM 604290, HP:0025498.

Submission:

GeneReviews
Classification: Pathogenic for Aceruloplasminemia. Last evaluated: 2013-04-18. Review status: no assertion criteria provided. Collection method: curation. Allele origin: unknown.
ClinVar note: Converted during submission from pathologic to Pathogenic.